The following is an entry in ClinVar:

ClinVar aggregate classification (germline): Uncertain significance (1 of 4 stars; one submission).

Submission:

GeneDx
Classification: Uncertain significance. Last evaluated: 2026-03-11. Review status: criteria provided, single submitter. Criteria: GeneDx Variant Classification Process June 2021. Collection method: clinical testing. Allele origin: germline.
Comment: Not observed at significant frequency in large population cohorts (gnomAD); In silico analysis suggests that this missense variant does not alter protein structure/function; Has not been previously published as pathogenic or benign to our knowledge

NM_001378969.1(KCND3):c.1390C>A (p.His464Asn)

Gene: KCND3 (potassium voltage-gated channel subfamily D member 3; minus strand). Cytogenetic location: 1p13.2.
Variant type: single nucleotide variant.
Coding change: c.1390C>A on transcript NM_001378969.1 (MANE Select); coding-DNA position 1390, C replaced by A.
Protein change: p.His464Asn; replaces histidine 464 with asparagine.
Molecular consequence: missense variant.
Genome position (GRCh38, 1-based): chr1:111,780,296, G>T on the plus strand (C>A on the coding strand, the complement: KCND3 is on the minus strand). VCF-style: chr1-111780296-G-T. GRCh37 (hg19) VCF-style: chr1-112322918-G-T.
Other names: c.1390C>A, p.His464Asn (NM_001378970.1, NM_004980.5, NM_172198.3); short protein forms H464N.
Identifiers: ClinVar variation 5008936 (VCV005008936.1).